The following is an entry in ClinVar:

ClinVar aggregate classification (germline): Benign/Likely benign. Review status: criteria provided, multiple submitters, no conflicts (2 of 4 stars). 2 submissions from 2 submitters: Benign (1); Likely benign (1). Last evaluated 2026-09-14.

Conditions:
Colorectal cancer, hereditary nonpolyposis, type 7. Identifiers: Orphanet 144, MedGen C1858380, MONDO:0013725, OMIM 614385.

gnomAD v4.1: 12 of 1,614,068 alleles (0.00074%); highest among the groups gnomAD compares: Non-Finnish European, 0.001%; no homozygotes.

Submissions (2):

Myriad Genetics, Inc.
Classification: Benign for Colorectal cancer, hereditary nonpolyposis, type 7. Last evaluated: 2026-09-14. Review status: criteria provided, single submitter. Criteria: Myriad Autosomal Dominant, Autosomal Recessive and X-Linked Classification Criteria (2023). Collection method: clinical testing. Allele origin: unknown.
Comment: This variant is considered benign. This variant is a silent/synonymous amino acid change and it is not expected to impact splicing.

Ambry Genetics
Classification: Likely benign. Last evaluated: 2019-12-24. Review status: criteria provided, single submitter. Criteria: Ambry Variant Classification Scheme 2023. Collection method: clinical testing. Allele origin: germline.

NM_001040108.2(MLH3):c.3117G>T (p.Thr1039=)

Gene: MLH3 (mutL homolog 3; minus strand). Cytogenetic location: 14q24.3.
Variant type: single nucleotide variant.
Coding change: c.3117G>T on transcript NM_001040108.2 (MANE Select); coding-DNA position 3117, G replaced by T.
Protein change: p.Thr1039=; no amino-acid change (threonine 1039 retained).
Molecular consequence: synonymous variant.
Genome position (GRCh38, 1-based): chr14:75,046,539, C>A on the plus strand (G>T on the coding strand, the complement: MLH3 is on the minus strand). VCF-style: chr14-75046539-C-A. GRCh37 (hg19) VCF-style: chr14-75513242-C-A.
Other names: c.3117G>T, p.Thr1039= (NM_014381.3).
Identifiers: ClinVar variation 1727816 (VCV001727816.3), dbSNP rs752980464, ClinGen allele CA487177408.